The following is an entry in ClinVar:

NM_001395159.1(UNC79):c.4064G>A (p.Arg1355His)

Gene: UNC79 (unc-79 homolog, NALCN channel complex subunit; plus strand). Cytogenetic location: 14q32.12.
Variant type: single nucleotide variant.
Coding change: c.4064G>A on transcript NM_001395159.1 (MANE Select); coding-DNA position 4064, G replaced by A.
Protein change: p.Arg1355His; replaces arginine 1355 with histidine.
Molecular consequence: missense variant.
Genome position (GRCh38, 1-based): chr14:93,613,040, G>A. VCF-style: chr14-93613040-G-A. GRCh37 (hg19) VCF-style: chr14-94079386-G-A.
Other names: c.3998G>A, p.Arg1333His (NM_001346218.2); c.3467G>A, p.Arg1156His (NM_020818.5); short protein forms R1156H, R1333H, R1355H.
Identifiers: ClinVar variation 3364194 (VCV003364194.1).
Genomic context (GRCh38, chr14:93,613,040, plus strand): 5'-ACGTCTTACTCGGCTATGACCAGCAGGAAGGTTGCTTCATGATTGCACCTCAAAAAATGC[G>A]CCTGTCAACTTGCTTTAATGCATTCATTGCAGGAATTGCCCAAGTAAGTGTAATAACAGC-3'
Protein context (NP_001382088.1, residues 1345-1365): GCFMIAPQKM[Arg1355His]LSTCFNAFIA

ClinVar aggregate classification (germline): Uncertain significance (1 of 4 stars; one submission).

Submission:

GeneDx
Classification: Uncertain significance. Last evaluated: 2023-11-10. Review status: criteria provided, single submitter. Criteria: GeneDx Variant Classification Process June 2021. Collection method: clinical testing. Allele origin: germline. Affected: yes.
Comment: Has not been previously published as pathogenic or benign to our knowledge; Not observed at significant frequency in large population cohorts (gnomAD); In silico analysis supports that this missense variant has a deleterious effect on protein structure/function